The following is an entry in ClinVar:

NM_003628.6(PKP4):c.283G>A (p.Val95Met)

Gene: PKP4 (plakophilin 4; plus strand). Cytogenetic location: 2q24.1.
Variant type: single nucleotide variant.
Coding change: c.283G>A on transcript NM_003628.6 (MANE Select); coding-DNA position 283, G replaced by A.
Protein change: p.Val95Met; replaces valine 95 with methionine.
Molecular consequence: missense variant. On other transcripts: 5 prime UTR variant (1).
Genome position (GRCh38, 1-based): chr2:158,620,992, G>A. VCF-style: chr2-158620992-G-A. GRCh37 (hg19) VCF-style: chr2-159477504-G-A.
Other names: c.283G>A, p.Val95Met (NM_001005476.4, NM_001304969.3, NM_001304971.2 and 9 more transcripts); c.-667G>A (NM_001304970.3); short protein forms V95M.
Identifiers: ClinVar variation 3223515 (VCV003223515.1), dbSNP rs769498573, ClinGen allele CA1920369.

ClinVar aggregate classification (germline): Uncertain significance (1 of 4 stars; one submission).

Allele frequency attached by ClinVar (database versions not stated): TOPMed below 0.00001; gnomAD 0.00001.
gnomAD v4.1: 16 of 1,613,376 alleles (0.00099%); highest among the groups gnomAD compares: Middle Eastern, 0.049%; 1 homozygote.

Submission:

Ambry Genetics
Classification: Uncertain significance. Last evaluated: 2023-11-12. Review status: criteria provided, single submitter. Criteria: Ambry Variant Classification Scheme 2023. Collection method: clinical testing. Allele origin: germline.
Comment: The p.V95M variant (also known as c.283G>A), located in coding exon 4 of the PKP4 gene, results from a G to A substitution at nucleotide position 283. The valine at codon 95 is replaced by methionine, an amino acid with highly similar properties. This amino acid position is conserved. In addition, this alteration is predicted to be tolerated by in silico analysis.Since supporting evidence is limited at this time, the clinical significance of this alteration remains unclear.